The following is an entry in ClinVar:

NM_004036.5(ADCY3):c.1251G>A (p.Thr417=)

Gene: ADCY3 (adenylate cyclase 3; minus strand). Cytogenetic location: 2p23.3.
Variant type: single nucleotide variant.
Coding change: c.1251G>A on transcript NM_004036.5 (MANE Select); coding-DNA position 1251, G replaced by A.
Protein change: p.Thr417=; no amino-acid change (threonine 417 retained).
Molecular consequence: synonymous variant.
Genome position (GRCh38, 1-based): chr2:24,839,977, C>T on the plus strand (G>A on the coding strand, the complement: ADCY3 is on the minus strand). VCF-style: chr2-24839977-C-T. GRCh37 (hg19) VCF-style: chr2-25062846-C-T.
Other names: c.1251G>A, p.Thr417= (NM_001320613.2, NM_001377128.1, NM_001377129.1 and 2 more transcripts); c.528G>A, p.Thr176= (NM_001377131.1).
Identifiers: ClinVar variation 3037114 (VCV003037114.2), dbSNP rs140554416, ClinGen allele CA1554229.
Genomic context (GRCh38, chr2:24,839,977, plus strand): 5'-AGTCGACCACACGTCGTACTGCCAGCGCTTCTGGCCCAGGACGCCCCCCAGCACGGTGCC[C>T]GTGTGCACCCCCACACGCATGTCCACCCCAGTCTTGGTCTTCTCCCGCACATACCTGCCA-3'
Protein context (NP_004027.2, residues 407-427): TGVDMRVGVH[Thr417=]GTVLGGVLGQ

ClinVar aggregate classification (germline): Likely benign (0 of 4 stars; one submission).

Conditions:
ADCY3-related disorder. Also called: ADCY3-related condition.

Allele frequency attached by ClinVar (database versions not stated): gnomAD exomes 0.00005.
gnomAD v4.1: 69 of 1,613,842 alleles (0.0043%); highest among the groups gnomAD compares: South Asian, 0.031%; 1 homozygote.

Submission:

PreventionGenetics, part of Exact Sciences
Classification: Likely benign for ADCY3-related condition. Last evaluated: 2022-08-30. Review status: no assertion criteria provided. Collection method: clinical testing. Allele origin: germline.
Comment: This variant is classified as likely benign based on ACMG/AMP sequence variant interpretation guidelines (Richards et al. 2015 PMID: 25741868, with internal and published modifications).